The following is an entry in ClinVar:

ClinVar aggregate classification (germline): Uncertain significance (1 of 4 stars; one submission).

Conditions:
Hypertrophic cardiomyopathy 14. Identifiers: MedGen C2750467, MONDO:0013197, OMIM 613251.

Submission:

Labcorp Genetics (formerly Invitae), Labcorp
Classification: Uncertain significance for Hypertrophic cardiomyopathy 14. Last evaluated: 2020-06-18. Review status: criteria provided, single submitter. Criteria: Invitae Variant Classification Sherloc (09022015). Collection method: clinical testing. Allele origin: germline.
Comment: In summary, the available evidence is currently insufficient to determine the role of this variant in disease. Therefore, it has been classified as a Variant of Uncertain Significance. Algorithms developed to predict the effect of missense changes on protein structure and function (SIFT, PolyPhen-2, Align-GVGD) all suggest that this variant is likely to be tolerated, but these predictions have not been confirmed by published functional studies and their clinical significance is uncertain. This variant has not been reported in the literature in individuals with MYH6-related conditions. This variant is not present in population databases (ExAC no frequency). This sequence change replaces isoleucine with valine at codon 1929 of the MYH6 protein (p.Ile1929Val). The isoleucine residue is weakly conserved and there is a small physicochemical difference between isoleucine and valine.

NM_002471.4(MYH6):c.5785A>G (p.Ile1929Val)

Gene: MYH6 (myosin heavy chain 6; minus strand). Cytogenetic location: 14q11.2.
Variant type: single nucleotide variant.
Coding change: c.5785A>G on transcript NM_002471.4 (MANE Select); coding-DNA position 5785, A replaced by G.
Protein change: p.Ile1929Val; replaces isoleucine 1929 with valine.
Molecular consequence: missense variant.
Genome position (GRCh38, 1-based): chr14:23,382,439, T>C on the plus strand (A>G on the coding strand, the complement: MYH6 is on the minus strand). VCF-style: chr14-23382439-T-C. GRCh37 (hg19) VCF-style: chr14-23851648-T-C.
Other names: short protein forms I1929V.
Identifiers: ClinVar variation 1038585 (VCV001038585.8), dbSNP rs1890889294, ClinGen allele CA388981140.